The following is an entry in ClinVar:

ClinVar aggregate classification (germline): Uncertain significance (1 of 4 stars; one submission).

Conditions:
Heterotopia, periventricular, X-linked dominant (PVNH1). Also called: PERIVENTRICULAR NODULAR HETEROTOPIA 4; HETEROTOPIA, PERIVENTRICULAR, 1; PERIVENTRICULAR NODULAR HETEROTOPIA 1; X-linked periventricular heterotopia. Identifiers: Orphanet 2149, Orphanet 82004, MedGen C1848213, MONDO:0010233, OMIM 300049.
Oto-palato-digital syndrome, type II (OPD2). Also called: Otopalatodigital Syndrome, Type II; FACIOPALATOOSSEOUS SYNDROME; OPD II SYNDROME; Otopalatodigital Syndrome Type 2 (FLNA-OPD2). Identifiers: Orphanet 669, Orphanet 90652, MedGen C1844696, MONDO:0010571, OMIM 304120.
Melnick-Needles syndrome (MNS). Also called: MELNICK-NEEDLES OSTEODYSPLASTY; OSTEODYSPLASTY OF MELNICK AND NEEDLES; Melnick-Needles Syndrome (FLNA-MNS). Identifiers: Orphanet 2484, MedGen C0025237, MONDO:0010650, OMIM 309350.
Frontometaphyseal dysplasia (FMD1). Identifiers: Orphanet 1826, MedGen C0265293, MONDO:0015942.

Submission:

Labcorp Genetics (formerly Invitae), Labcorp
Classification: Uncertain significance for Oto-palato-digital syndrome, type II; Heterotopia, periventricular, X-linked dominant; Frontometaphyseal dysplasia; Melnick-Needles syndrome. Last evaluated: 2025-09-24. Review status: criteria provided, single submitter. Criteria: Invitae Variant Classification Sherloc (09022015). Collection method: clinical testing. Allele origin: germline.
Comment: This sequence change replaces glycine, which is neutral and non-polar, with serine, which is neutral and polar, at codon 2602 of the FLNA protein (p.Gly2602Ser). This variant is not present in population databases (gnomAD no frequency). This variant has not been reported in the literature in individuals affected with FLNA-related conditions. Invitae Evidence Modeling of protein sequence and biophysical properties (such as structural, functional, and spatial information, amino acid conservation, physicochemical variation, residue mobility, and thermodynamic stability) indicates that this missense variant is not expected to disrupt FLNA protein function with a negative predictive value of 95%. In summary, the available evidence is currently insufficient to determine the role of this variant in disease. Therefore, it has been classified as a Variant of Uncertain Significance.

NM_001110556.2(FLNA):c.7828G>A (p.Gly2610Ser)

Genes: FLNA (filamin A; minus strand), LOC107988032 (Xq28 proximal FLNA-EMD recombination region; plus strand). Cytogenetic location: Xq28.
Variant type: single nucleotide variant.
Coding change: c.7828G>A on transcript NM_001110556.2 (MANE Select); coding-DNA position 7828, G replaced by A.
Protein change: p.Gly2610Ser; replaces glycine 2610 with serine.
Molecular consequence: missense variant.
Genome position (GRCh38, 1-based): chrX:154,348,965, C>T on the plus strand (G>A on the coding strand, the complement: FLNA is on the minus strand). VCF-style: chrX-154348965-C-T. GRCh37 (hg19) VCF-style: chrX-153577333-C-T.
Other names: c.7804G>A, p.Gly2602Ser (NM_001456.4); short protein forms G2610S, G2602S.
Identifiers: ClinVar variation 4788598 (VCV004788598.1).
Genomic context (GRCh38, chrX:154,348,965, plus strand): 5'-CCACCAGTGTGTACTCCCCCTTGTCCTTGAGCAGGTAGGACACGCTGTAGAGCCGGCTGC[C>T]CACGTGCTTCACCAGGATCTCCTCGCAGGGGGTCCTTGGGCCATGAACCCCCACCAGCAG-3'
Protein context (NP_001104026.1, residues 2600-2620): PCEEILVKHV[Gly2610Ser]SRLYSVSYLL